The following is an entry in ClinVar:

NM_001199753.2(CPT1C):c.1120C>T (p.Pro374Ser)

Gene: CPT1C (carnitine palmitoyltransferase 1C; plus strand). Cytogenetic location: 19q13.33.
Variant type: single nucleotide variant.
Coding change: c.1120C>T on transcript NM_001199753.2 (MANE Select); coding-DNA position 1120, C replaced by T.
Protein change: p.Pro374Ser; replaces proline 374 with serine.
Molecular consequence: missense variant. On other transcripts: non-coding transcript variant (1).
Genome position (GRCh38, 1-based): chr19:49,706,064, C>T. VCF-style: chr19-49706064-C-T. GRCh37 (hg19) VCF-style: chr19-50209321-C-T.
Other names: c.1120C>T (NM_001199752.1); c.1087C>T, p.Pro363Ser (NM_001136052.3, NM_001378485.1, NM_001378487.1); c.1120C>T, p.Pro374Ser (NM_001199752.3, NM_001378483.1, NM_001378484.1 and 3 more transcripts); c.1186C>T, p.Pro396Ser (NM_001378482.1); short protein forms P374S, P363S, P396S.
Identifiers: ClinVar variation 2912888 (VCV002912888.4), dbSNP rs982277105, ClinGen allele CA309513130.
Genomic context (GRCh38, chr19:49,706,064, plus strand): 5'-TCCCCGAGAGCCCTGGAGCAGCAGTTTCAGAGAATCCTGGATGATCCCTCACCGGCCTGC[C>T]CCCACGAGGAACATCTGGCAGCTCTGACAGCTGCTCCCAGGTAAGGGTCAGGGGTCAGGG-3'
Protein context (NP_001186682.1, residues 364-384): RILDDPSPAC[Pro374Ser]HEEHLAALTA

ClinVar aggregate classification (germline): Uncertain significance. Review status: criteria provided, multiple submitters, no conflicts (2 of 4 stars). 2 submissions from 2 submitters: Uncertain significance (2). Last evaluated 2024-10-16.

Conditions:
Hereditary spastic paraplegia 73. Also called: Spastic paraplegia 73, autosomal dominant. Identifiers: Orphanet 444099, MedGen C5568981, MONDO:0014568, OMIM 616282.

Allele frequency attached by ClinVar (database versions not stated): gnomAD exomes below 0.00001; gnomAD 0.00005; TOPMed 0.00005.
gnomAD v4.1: 12 of 1,613,710 alleles (0.00074%); highest among the groups gnomAD compares: African/African-American, 0.012%; no homozygotes.

Submissions (2):

Ambry Genetics
Classification: Uncertain significance. Last evaluated: 2024-10-16. Review status: criteria provided, single submitter. Criteria: Ambry Variant Classification Scheme 2023. Collection method: clinical testing. Allele origin: germline.

Labcorp Genetics (formerly Invitae), Labcorp
Classification: Uncertain significance for Hereditary spastic paraplegia 73. Last evaluated: 2023-07-14. Review status: criteria provided, single submitter. Criteria: Invitae Variant Classification Sherloc (09022015). Collection method: clinical testing. Allele origin: germline.
Comment: In summary, the available evidence is currently insufficient to determine the role of this variant in disease. Therefore, it has been classified as a Variant of Uncertain Significance. Advanced modeling of protein sequence and biophysical properties (such as structural, functional, and spatial information, amino acid conservation, physicochemical variation, residue mobility, and thermodynamic stability) performed at Invitae indicates that this missense variant is not expected to disrupt CPT1C protein function. This variant has not been reported in the literature in individuals affected with CPT1C-related conditions. This variant is present in population databases (no rsID available, gnomAD 0.01%). This sequence change replaces proline, which is neutral and non-polar, with serine, which is neutral and polar, at codon 363 of the CPT1C protein (p.Pro363Ser).